The following is an entry in ClinVar:

ClinVar aggregate classification (germline): Pathogenic/Likely pathogenic. Review status: criteria provided, multiple submitters, no conflicts (2 of 4 stars). 2 submissions from 2 submitters: Pathogenic (1); Likely pathogenic (1). Last evaluated 2023-10-10.

Conditions:
Joubert syndrome. Also called: CEREBELLOPARENCHYMAL DISORDER IV; JOUBERT-BOLTSHAUSER SYNDROME; Familial aplasia of the vermis. Identifiers: Orphanet 475, MedGen C5979921, MONDO:0018772.
Nephronophthisis. Also called: Juvenile Nephronophthisis. Identifiers: Orphanet 655, MedGen C0687120, MONDO:0019005, HP:0000090.
Meckel-Gruber syndrome. Also called: DYSENCEPHALIA SPLANCHNOCYSTICA; GRUBER SYNDROME; Dysencephalia splachnocystica. Identifiers: Orphanet 564, MedGen C0265215, MONDO:0018921.
Bardet-Biedl syndrome 14 (BBS14). Identifiers: Orphanet 110, MedGen C2673874, MONDO:0014442, OMIM 615991.

Submissions (2):

Baylor Genetics
Classification: Likely pathogenic for Bardet-Biedl syndrome 14. Last evaluated: 2023-10-10. Review status: criteria provided, single submitter. Criteria: ACMG Guidelines, 2015. Collection method: clinical testing. Allele origin: unknown.

Labcorp Genetics (formerly Invitae), Labcorp
Classification: Pathogenic for Joubert syndrome; Meckel-Gruber syndrome; Nephronophthisis. Last evaluated: 2022-01-02. Review status: criteria provided, single submitter. Criteria: Invitae Variant Classification Sherloc (09022015). Collection method: clinical testing. Allele origin: germline.
Comment: For these reasons, this variant has been classified as Pathogenic. This variant has not been reported in the literature in individuals affected with CEP290-related conditions. This variant is not present in population databases (gnomAD no frequency). This sequence change creates a premature translational stop signal (p.Glu1931Lysfs*8) in the CEP290 gene. It is expected to result in an absent or disrupted protein product. Loss-of-function variants in CEP290 are known to be pathogenic (PMID: 16909394, 17345604, 20690115).

Literature cited by the submitters: PubMed 16909394 (cited by Labcorp Genetics (formerly Invitae), Labcorp); PubMed 17345604 (cited by Labcorp Genetics (formerly Invitae), Labcorp); PubMed 20690115 (cited by Labcorp Genetics (formerly Invitae), Labcorp).

NM_025114.4(CEP290):c.5791_5794del (p.Glu1931fs)

Gene: CEP290 (centrosomal protein 290; minus strand). Cytogenetic location: 12q21.32.
Variant type: Deletion.
Coding change: c.5791_5794del on transcript NM_025114.4 (MANE Select); coding-DNA positions 5791 to 5794, 4 bases deleted (GAGA; older notation c.5791_5794delGAGA).
Protein change: p.Glu1931fs; shifts the reading frame from glutamic acid 1931.
Molecular consequence: frameshift variant.
Genome position (GRCh38, 1-based): chr12:88,071,842-88,071,845, TCTC deleted on the plus strand (GAGA on the coding strand, the reverse complement: CEP290 is on the minus strand); deleting any 4 consecutive bases within chr12:88,071,842-88,071,846 gives the same sequence; the c. name uses the placement nearest the transcript's 3' end. VCF-style (leftmost placement, unchanged base first): chr12-88071841-TTCTC-T. GRCh37 (hg19) VCF-style: chr12-88465618-TTCTC-T.
Other names: short protein forms E1931fs.
Identifiers: ClinVar variation 1364154 (VCV001364154.7), dbSNP rs2136964385, ClinGen allele CA2573149106.